The following is an entry in ClinVar:

ClinVar aggregate classification (germline): Likely pathogenic (1 of 4 stars; one submission).

Conditions:
Multiple acyl-CoA dehydrogenase deficiency (MADD). Also called: ETHYLMALONIC-ADIPICACIDURIA; GA II; Glutaric aciduria, type 2; Glutaric Acidemia type 2; Glutaric acidemia type II; GA 2. Identifiers: Orphanet 26791, MedGen C0268596, MONDO:0009282, OMIM 231680.

Allele frequency attached by ClinVar (database versions not stated): TOPMed below 0.00001; gnomAD exomes 0.00001.
gnomAD v4.1: 9 of 1,456,948 alleles (0.00062%); highest among the groups gnomAD compares: Non-Finnish European, 0.00087%; no homozygotes.

Submission:

Labcorp Genetics (formerly Invitae), Labcorp
Classification: Likely pathogenic for Multiple acyl-CoA dehydrogenase deficiency. Last evaluated: 2023-04-06. Review status: criteria provided, single submitter. Criteria: Invitae Variant Classification Sherloc (09022015). Collection method: clinical testing. Allele origin: germline.
Comment: This sequence change affects a donor splice site in intron 4 of the ETFDH gene. It is expected to disrupt RNA splicing. Variants that disrupt the donor or acceptor splice site typically lead to a loss of protein function (PMID: 16199547), and loss-of-function variants in ETFDH are known to be pathogenic (PMID: 16510302, 23785301). This variant is not present in population databases (gnomAD no frequency). This variant has not been reported in the literature in individuals affected with ETFDH-related conditions. ClinVar contains an entry for this variant (Variation ID: 943740). Algorithms developed to predict the effect of sequence changes on RNA splicing suggest that this variant may disrupt the consensus splice site. In summary, the currently available evidence indicates that the variant is pathogenic, but additional data are needed to prove that conclusively. Therefore, this variant has been classified as Likely Pathogenic.

Literature cited by the submitters: PubMed 16199547; PubMed 16510302; PubMed 23785301.

NM_004453.4(ETFDH):c.487+1G>A

Gene: ETFDH (electron transfer flavoprotein dehydrogenase; plus strand). Cytogenetic location: 4q32.1.
Variant type: single nucleotide variant.
Coding change: c.487+1G>A on transcript NM_004453.4 (MANE Select); the canonical splice donor site of the intron after coding-DNA position 487, G replaced by A.
Molecular consequence: splice donor variant.
Genome position (GRCh38, 1-based): chr4:158,684,674, G>A. VCF-style: chr4-158684674-G-A. GRCh37 (hg19) VCF-style: chr4-159605826-G-A.
Other names: c.346+1G>A (NM_001281737.2); c.304+1G>A (NM_001281738.1).
Identifiers: ClinVar variation 943740 (VCV000943740.8), dbSNP rs1444488601, ClinGen allele CA358575213.